The following is an entry in ClinVar:

NM_018965.4(TREM2):c.*30G>A

Gene: TREM2 (triggering receptor expressed on myeloid cells 2; minus strand). Cytogenetic location: 6p21.1.
Variant type: single nucleotide variant.
Coding change: c.*30G>A on transcript NM_018965.4 (MANE Select); 30 bases downstream of the stop codon, G replaced by A.
Molecular consequence: 3 prime UTR variant. On other transcripts: missense variant (1).
Genome position (GRCh38, 1-based): chr6:41,158,734, C>T on the plus strand (G>A on the coding strand, the complement: TREM2 is on the minus strand). VCF-style: chr6-41158734-C-T. GRCh37 (hg19) VCF-style: chr6-41126472-C-T.
Other names: c.529G>A (NM_001271821.1); c.529G>A, p.Glu177Lys (NM_001271821.2); short protein forms E177K.
Identifiers: ClinVar variation 356674 (VCV000356674.16), dbSNP rs75272959, ClinGen allele CA3798799.

ClinVar aggregate classification (germline): Benign. Review status: criteria provided, multiple submitters, no conflicts (2 of 4 stars). 5 submissions from 5 submitters: Benign (2). 3 of the submissions do not count toward it. Last evaluated 2026-01-27.

Conditions:
TREM2-related disorder. Also called: TREM2-related condition.
Polycystic lipomembranous osteodysplasia with sclerosing leukoencephalopathy 2. Also called: TREM2-Related Polycystic Lipomembranous Osteodysplasia with Sclerosing Leukoencephalopathy. Identifiers: MedGen C4748657, MONDO:0020750, OMIM 618193.

Allele frequency attached by ClinVar (database versions not stated): gnomAD 0.00009 and 0.00114; ESP Exome Variant Server 0.00008; 1000 Genomes Project 30x 0.00921; gnomAD exomes 0.00455 and 0.00216; ExAC 0.00491; 1000 Genomes Project 0.00938; TOPMed 0.00032.
gnomAD v4.1: 3,394 of 1,614,200 alleles (0.21%); highest among the groups gnomAD compares: South Asian, 3.3%; 81 homozygotes.

Submissions (5):

Labcorp Genetics (formerly Invitae), Labcorp
Classification: Benign. Last evaluated: 2026-01-27. Review status: criteria provided, single submitter. Criteria: Invitae Variant Classification Sherloc (09022015). Collection method: clinical testing. Allele origin: germline.

Illumina Laboratory Services, Illumina
Classification: Benign for Polycystic lipomembranous osteodysplasia with sclerosing leukoencephalopathy 2. Last evaluated: 2018-01-12. Review status: criteria provided, single submitter. Criteria: ICSL Variant Classification Criteria 13 December 2019. Collection method: clinical testing. Allele origin: germline.
Comment: This variant was observed in the ICSL laboratory as part of a predisposition screen in an ostensibly healthy population. It had not been previously curated by ICSL or reported in the Human Gene Mutation Database (HGMD: prior to June 1st, 2018), and was therefore a candidate for classification through an automated scoring system. Utilizing variant allele frequency, disease prevalence and penetrance estimates, and inheritance mode, an automated score was calculated to assess if this variant is too frequent to cause the disease. Based on the score and internal cut-off values, a variant classified as benign is not then subjected to further curation. The score for this variant resulted in a classification of benign for this disease.

PreventionGenetics, part of Exact Sciences
Classification: Benign for TREM2-related condition. Last evaluated: 2019-04-17. Review status: no assertion criteria provided. Collection method: clinical testing. Allele origin: germline. Not counted in ClinVar's aggregate classification.
Comment: This variant is classified as benign based on ACMG/AMP sequence variant interpretation guidelines (Richards et al. 2015 PMID: 25741868, with internal and published modifications).

Genome Diagnostics Laboratory, Amsterdam University Medical Center
Classification: Likely benign. Review status: no assertion criteria provided. Collection method: clinical testing. Allele origin: germline. Affected: yes. Study: VKGL Data-share Consensus. Not counted in ClinVar's aggregate classification.

Laboratory of Diagnostic Genome Analysis, Leiden University Medical Center (LUMC)
Classification: Likely benign. Review status: no assertion criteria provided. Collection method: clinical testing. Allele origin: germline. Affected: yes. Study: VKGL Data-share Consensus. Not counted in ClinVar's aggregate classification.